The following is an entry in ClinVar:

ClinVar aggregate classification (germline): Uncertain significance (1 of 4 stars; one submission).

Conditions:
Hereditary cancer-predisposing syndrome. Also called: Hereditary Cancer Syndrome; Hereditary neoplastic syndrome; Neoplastic Syndromes, Hereditary; Tumor predisposition. Identifiers: Orphanet 140162, MedGen C0027672, MeSH D009386, MONDO:0015356.

Allele frequency attached by ClinVar (database versions not stated): gnomAD 0.00001.
gnomAD v4.1: 1 of 1,614,100 alleles (0.000062%); highest among the groups gnomAD compares: East Asian, 0.0022%; no homozygotes.

Submission:

Ambry Genetics
Classification: Uncertain significance for Hereditary cancer-predisposing syndrome. Last evaluated: 2021-07-16. Review status: criteria provided, single submitter. Criteria: Ambry Variant Classification Scheme 2023. Collection method: clinical testing. Allele origin: germline.
Comment: The p.P475L variant (also known as c.1424C>T), located in coding exon 12 of the SUFU gene, results from a C to T substitution at nucleotide position 1424. The proline at codon 475 is replaced by leucine, an amino acid with similar properties. This amino acid position is highly conserved in available vertebrate species. In addition, this alteration is predicted to be deleterious by in silico analysis. Since supporting evidence is limited at this time, the clinical significance of this alteration remains unclear.

NM_016169.4(SUFU):c.1424C>T (p.Pro475Leu)

Gene: SUFU (SUFU negative regulator of hedgehog signaling; plus strand). Cytogenetic location: 10q24.32.
Variant type: single nucleotide variant.
Coding change: c.1424C>T on transcript NM_016169.4 (MANE Select); coding-DNA position 1424, C replaced by T.
Protein change: p.Pro475Leu; replaces proline 475 with leucine.
Molecular consequence: missense variant.
Genome position (GRCh38, 1-based): chr10:102,630,124, C>T. VCF-style: chr10-102630124-C-T. GRCh37 (hg19) VCF-style: chr10-104389881-C-T.
Other names: short protein forms P475L.
Identifiers: ClinVar variation 1772333 (VCV001772333.2), dbSNP rs1267387394, ClinGen allele CA377920992.